The following is an entry in ClinVar:

ClinVar aggregate classification (germline): Uncertain significance (1 of 4 stars; one submission).

Conditions:
Cardiovascular phenotype. Identifiers: MedGen CN230736.

gnomAD v4.1: 1 of 1,614,072 alleles (0.000062%); highest among the groups gnomAD compares: Non-Finnish European, 0.000085%; no homozygotes.

Submission:

Molecular Diagnostic Laboratory for Inherited Cardiovascular Disease, Montreal Heart Institute
Classification: Uncertain significance for Cardiovascular phenotype. Last evaluated: 2025-04-09. Review status: criteria provided, single submitter. Criteria: ACMG Guidelines, 2015. Collection method: clinical testing. Allele origin: germline. Affected: yes.
Comment: PM2, BP4

NM_000384.3(APOB):c.10446C>G (p.Ser3482Arg)

Gene: APOB (apolipoprotein B; minus strand). Cytogenetic location: 2p24.1.
Variant type: single nucleotide variant.
Coding change: c.10446C>G on transcript NM_000384.3 (MANE Select); coding-DNA position 10446, C replaced by G.
Protein change: p.Ser3482Arg; replaces serine 3482 with arginine.
Molecular consequence: missense variant.
Genome position (GRCh38, 1-based): chr2:21,006,422, G>C on the plus strand (C>G on the coding strand, the complement: APOB is on the minus strand). VCF-style: chr2-21006422-G-C. GRCh37 (hg19) VCF-style: chr2-21229294-G-C.
Other names: short protein forms S3482R.
Identifiers: ClinVar variation 3895216 (VCV003895216.1).